The following is an entry in ClinVar:

ClinVar aggregate classification (germline): Uncertain significance (1 of 4 stars; one submission).

Conditions:
KDM3B-related disorder. Also called: KDM3B-related condition.

Submission:

PreventionGenetics, part of Exact Sciences
Classification: Uncertain significance for KDM3B-related condition. Last evaluated: 2026-09-24. Review status: criteria provided, single submitter. Criteria: ACMG Guidelines, 2015. Collection method: clinical testing. Allele origin: germline.
Comment: The KDM3B c.2959T>C variant is predicted to result in the amino acid substitution p.Ser987Pro. To our knowledge, this variant has not been reported in the literature or in a large population database (gnomAD), indicating this variant is rare. At this time, the clinical significance of this variant is uncertain due to the absence of conclusive functional and genetic evidence.

NM_016604.4(KDM3B):c.2959T>C (p.Ser987Pro)

Gene: KDM3B (lysine demethylase 3B; plus strand). Cytogenetic location: 5q31.2.
Variant type: single nucleotide variant.
Coding change: c.2959T>C on transcript NM_016604.4 (MANE Select); coding-DNA position 2959, T replaced by C.
Protein change: p.Ser987Pro; replaces serine 987 with proline.
Molecular consequence: missense variant.
Genome position (GRCh38, 1-based): chr5:138,398,305, T>C. VCF-style: chr5-138398305-T-C. GRCh37 (hg19) VCF-style: chr5-137733994-T-C.
Other names: short protein forms S987P.
Identifiers: ClinVar variation 4995947 (VCV004995947.1).